The following is an entry in ClinVar:

ClinVar aggregate classification (germline): Conflicting classifications of pathogenicity. Review status: criteria provided, conflicting classifications (1 of 4 stars). 7 submissions from 7 submitters: Uncertain significance (3); Likely benign (4). Last evaluated 2026-06-29.

Conditions:
Cardiovascular phenotype. Identifiers: MedGen CN230736.
PKP2-related disorder. Also called: PKP2-related condition.
Cardiomyopathy (CMYO). Also called: Cardiomyopathies. Identifiers: Orphanet 167848, MedGen C0878544, MONDO:0004994, HP:0001638. Inheritance: Various modes of inheritance.
Arrhythmogenic right ventricular dysplasia 9 (ARVD9). Also called: Arrhythmogenic Right Ventricular Dysplasia/Cardiomyopathy 9; ARRHYTHMOGENIC RIGHT VENTRICULAR DYSPLASIA, FAMILIAL, 9. Identifiers: MedGen C1836906, MONDO:0012180, OMIM 609040.

Allele frequency attached by ClinVar (database versions not stated): gnomAD exomes 0.00002 and 0.00006; ExAC 0.00008; TOPMed 0.00019; gnomAD 0.00021 and 0.00023; 1000 Genomes Project 0.00040; 1000 Genomes Project 30x 0.00047.
gnomAD v4.1: 46 of 790,450 alleles (0.0058%); highest among the groups gnomAD compares: African/African-American, 0.067%; no homozygotes.

Submissions (7):

PreventionGenetics, part of Exact Sciences
Classification: Likely benign for PKP2-related condition. Last evaluated: 2026-06-29. Review status: criteria provided, single submitter. Criteria: ACMG Guidelines, 2015. Collection method: clinical testing. Allele origin: germline.
Comment: This variant is classified as likely benign based on ACMG/AMP sequence variant interpretation guidelines (Richards et al. 2015 PMID: 25741868, with internal and published modifications).

Labcorp Genetics (formerly Invitae), Labcorp
Classification: Uncertain significance for Arrhythmogenic right ventricular dysplasia 9. Last evaluated: 2026-01-27. Review status: criteria provided, single submitter. Criteria: Invitae Variant Classification Sherloc (09022015). Collection method: clinical testing. Allele origin: germline.
Comment: This sequence change replaces glycine, which is neutral and non-polar, with serine, which is neutral and polar, at codon 488 of the PKP2 protein (p.Gly488Ser). This variant is present in population databases (rs537458442, gnomAD 0.07%). This variant has not been reported in the literature in individuals affected with PKP2-related conditions. ClinVar contains an entry for this variant (Variation ID: 229142). An algorithm developed to predict the effect of missense changes on protein structure and function (PolyPhen-2) suggests that this variant is likely to be tolerated. In summary, the available evidence is currently insufficient to determine the role of this variant in disease. Therefore, it has been classified as a Variant of Uncertain Significance.

ARUP Laboratories, Molecular Genetics and Genomics, ARUP Laboratories
Classification: Likely benign for Arrhythmogenic right ventricular dysplasia 9. Last evaluated: 2025-07-08. Review status: criteria provided, single submitter. Criteria: ARUP Molecular Germline Variant Investigation Process 2024. Collection method: clinical testing. Allele origin: germline.

Ambry Genetics
Classification: Likely benign for Cardiovascular phenotype. Last evaluated: 2023-03-28. Review status: criteria provided, single submitter. Criteria: Ambry Variant Classification Scheme 2023. Collection method: clinical testing. Allele origin: germline.

Women's Health and Genetics/Laboratory Corporation of America, LabCorp
Classification: Uncertain significance. Last evaluated: 2022-12-17. Review status: criteria provided, single submitter. Criteria: LabCorp Variant Classification Summary - May 2015. Collection method: clinical testing. Allele origin: germline.

Color Diagnostics, LLC DBA Color Health
Classification: Likely benign for Cardiomyopathy. Last evaluated: 2022-11-08. Review status: criteria provided, single submitter. Criteria: ACMG Guidelines, 2015. Collection method: clinical testing. Allele origin: germline.

Laboratory for Molecular Medicine, Mass General Brigham Personalized Medicine
Classification: Uncertain significance. Last evaluated: 2015-06-05. Review status: criteria provided, single submitter. Criteria: LMM Criteria. Collection method: clinical testing. Allele origin: germline. Observed: 1 variant allele.
Comment: The p.Gly488Ser variant in PKP2 has not been previously reported in individuals with cardiomyopathy, but has been identified in 0.1% (7/7726) of African chromos omes by the Exome Aggregation Consortium (ExAC; dbSNP rs537458442). Computational prediction tools and conservation analysis are limited or unavailable for this variant. In summary, the clinical significance of the p.Gly488Ser variant is uncertain.

NM_001005242.3(PKP2):c.1379-2025G>A

Gene: PKP2 (plakophilin 2; minus strand). Cytogenetic location: 12p11.21.
Variant type: single nucleotide variant.
Coding change: c.1379-2025G>A on transcript NM_001005242.3 (MANE Select); 2025 bases into the intron before coding-DNA position 1379, G replaced by A.
Molecular consequence: intron variant. On other transcripts: missense variant (1).
Genome position (GRCh38, 1-based): chr12:32,843,230, C>T on the plus strand (G>A on the coding strand, the complement: PKP2 is on the minus strand). VCF-style: chr12-32843230-C-T. GRCh37 (hg19) VCF-style: chr12-32996164-C-T.
Other names: c.1462G>A, p.Gly488Ser (NM_004572.4); short protein forms G488S.
Identifiers: ClinVar variation 229142 (VCV000229142.20), dbSNP rs537458442, ClinGen allele CA028446.
Genomic context (GRCh38, chr12:32,843,230, plus strand): 5'-CAGGGGTCTCACCATGTTGGTCAGGCTGGTCTCGAACTCCTGACCTCGTGATCCGCCCGC[C>T]TTGGCCTCCCAAAGTGCTGGGATTACAGGCGTGAGCCACCGCGCCCGGCCAGCCATTCCT-3'